The following is an entry in ClinVar:

NM_024675.4(PALB2):c.3493_3495dup (p.Ser1165_Gly1166insSer)

Gene: PALB2 (partner and localizer of BRCA2; minus strand). Cytogenetic location: 16p12.2.
Variant type: Duplication.
Coding change: c.3493_3495dup on transcript NM_024675.4 (MANE Select); coding-DNA positions 3493 to 3495, 3 bases duplicated (TCG; older notation c.3493_3495dupTCG).
Protein change: p.Ser1165_Gly1166insSer.
Molecular consequence: inframe insertion. On other transcripts: 3 prime UTR variant (5), inframe indel (1).
Genome position (GRCh38, 1-based): chr16:23,603,525-23,603,527, CGA duplicated on the plus strand (TCG on the coding strand, the reverse complement: PALB2 is on the minus strand); duplicating any 3 consecutive bases within chr16:23,603,525-23,603,528 gives the same sequence; the c. name uses the placement nearest the transcript's 3' end. VCF-style (leftmost placement, unchanged base first): chr16-23603524-C-CCGA. GRCh37 (hg19) VCF-style: chr16-23614845-C-CCGA.
Other names: c.3433_3435dup, p.Ser1145_Gly1146insSer (NM_001407296.1); c.3421_3423dup, p.Ser1141_Gly1142insSer (NM_001407297.1); c.3331_3333dup, p.Ser1111_Gly1112insSer (NM_001407298.1); c.3256_3258dup, p.Ser1086_Gly1087insSer (NM_001407299.1); c.3214_3216dup, p.Ser1072_Gly1073insSer (NM_001407300.1); c.*128_*130dup (NM_001407301.1, NM_001407302.1, NM_001407310.1 and 2 more transcripts); c.2608_2610dup, p.Ser870_Gly871insSer (NM_001407304.1, NM_001407305.1, NM_001407306.1); c.2446_2448dup, p.Ser816_Gly817insSer (NM_001407307.1); and 4 more.
Identifiers: ClinVar variation 3228033 (VCV003228033.1), dbSNP rs2506195920, ClinGen allele CA2825002423.

ClinVar aggregate classification (germline): Uncertain significance (1 of 4 stars; one submission).

Conditions:
Hereditary cancer-predisposing syndrome. Also called: Neoplastic Syndromes, Hereditary; Tumor predisposition; Hereditary neoplastic syndrome; Hereditary Cancer Syndrome. Identifiers: Orphanet 140162, MedGen C0027672, MeSH D009386, MONDO:0015356.

Submission:

Ambry Genetics
Classification: Uncertain significance for Hereditary cancer-predisposing syndrome. Last evaluated: 2023-10-20. Review status: criteria provided, single submitter. Criteria: Ambry Variant Classification Scheme 2023. Collection method: clinical testing. Allele origin: germline.
Comment: The c.3493_3495dupTCG variant (also known as p.S1165dup), located in coding exon 13 of the PALB2 gene, results from an in-frame duplication of TCG at nucleotide positions 3493 to 3495. This results in the duplication of an extra residue between codons 1165 and 1166. This amino acid position is highly conserved in available vertebrate species. In addition, this alteration is predicted to be deleterious by in silico analysis (Choi Y et al. PLoS ONE. 2012; 7(10):e46688). Since supporting evidence is limited at this time, the clinical significance of this alteration remains unclear.